The following is an entry in ClinVar:

ClinVar aggregate classification (germline): Uncertain significance (1 of 4 stars; one submission).

Conditions:
Dilated cardiomyopathy 1W (CMD1W). Identifiers: Orphanet 154, MedGen C1969639, MONDO:0012667, OMIM 611407.

Submission:

Labcorp Genetics (formerly Invitae), Labcorp
Classification: Uncertain significance for Dilated cardiomyopathy 1W. Last evaluated: 2025-05-27. Review status: criteria provided, single submitter. Criteria: Invitae Variant Classification Sherloc (09022015). Collection method: clinical testing. Allele origin: germline.
Comment: This sequence change replaces alanine, which is neutral and non-polar, with valine, which is neutral and non-polar, at codon 890 of the VCL protein (p.Ala890Val). This variant is not present in population databases (gnomAD no frequency). This variant has not been reported in the literature in individuals affected with VCL-related conditions. An algorithm developed to predict the effect of missense changes on protein structure and function (PolyPhen-2) suggests that this variant is likely to be tolerated. In summary, the available evidence is currently insufficient to determine the role of this variant in disease. Therefore, it has been classified as a Variant of Uncertain Significance.

NM_014000.3(VCL):c.2669C>T (p.Ala890Val)

Gene: VCL (vinculin; plus strand). Cytogenetic location: 10q22.2.
Variant type: single nucleotide variant.
Coding change: c.2669C>T on transcript NM_014000.3 (MANE Select); coding-DNA position 2669, C replaced by T.
Protein change: p.Ala890Val; replaces alanine 890 with valine.
Molecular consequence: missense variant.
Genome position (GRCh38, 1-based): chr10:74,109,080, C>T. VCF-style: chr10-74109080-C-T. GRCh37 (hg19) VCF-style: chr10-75868838-C-T.
Other names: c.2669C>T, p.Ala890Val (NM_003373.4); short protein forms A890V.
Identifiers: ClinVar variation 4698929 (VCV004698929.1).